The following is an entry in ClinVar:

ClinVar aggregate classification (germline): Uncertain significance. Review status: criteria provided, multiple submitters, no conflicts (2 of 4 stars). 2 submissions from 2 submitters: Uncertain significance (2). Last evaluated 2026-06-15.

Conditions:
Hereditary cancer-predisposing syndrome. Also called: Hereditary Cancer Syndrome; Hereditary neoplastic syndrome; Neoplastic Syndromes, Hereditary; Tumor predisposition. Identifiers: Orphanet 140162, MedGen C0027672, MeSH D009386, MONDO:0015356.

Submissions (2):

Ambry Genetics
Classification: Uncertain significance for Hereditary cancer-predisposing syndrome. Last evaluated: 2026-06-15. Review status: criteria provided, single submitter. Criteria: Ambry Variant Classification Scheme 2023. Collection method: clinical testing. Allele origin: germline.
Comment: The p.P2312L variant (also known as c.6935C>T), located in coding exon 15 of the APC gene, results from a C to T substitution at nucleotide position 6935. The proline at codon 2312 is replaced by leucine, an amino acid with similar properties. This amino acid position is conserved. In addition, in silico predictors for this gene do not accurately predict pathogenicity. Based on the available evidence, the clinical significance of this variant remains unclear.

Color Diagnostics, LLC DBA Color Health
Classification: Uncertain significance for Hereditary cancer-predisposing syndrome. Last evaluated: 2023-03-16. Review status: criteria provided, single submitter. Criteria: ACMG Guidelines, 2015. Collection method: clinical testing. Allele origin: germline.
Comment: This missense variant replaces proline with leucine at codon 2312 of the APC protein. Computational prediction is inconclusive regarding the impact of this variant on protein structure and function (internally defined REVEL score threshold 0.5 < inconclusive < 0.7, PMID: 27666373). To our knowledge, functional studies have not been reported for this variant. This variant has not been reported in individuals affected with APC-related disorders in the literature. This variant has not been identified in the general population by the Genome Aggregation Database (gnomAD). The available evidence is insufficient to determine the role of this variant in disease conclusively. Therefore, this variant is classified as a Variant of Uncertain Significance.

NM_000038.6(APC):c.6935C>T (p.Pro2312Leu)

Gene: APC (APC regulator of Wnt signaling pathway; plus strand). Cytogenetic location: 5q22.2.
Variant type: single nucleotide variant.
Coding change: c.6935C>T on transcript NM_000038.6 (MANE Select); coding-DNA position 6935, C replaced by T.
Protein change: p.Pro2312Leu; replaces proline 2312 with leucine.
Molecular consequence: missense variant. On other transcripts: non-coding transcript variant (2).
Genome position (GRCh38, 1-based): chr5:112,842,529, C>T. VCF-style: chr5-112842529-C-T. GRCh37 (hg19) VCF-style: chr5-112178226-C-T.
Other names: c.6935C>T (NM_000038.5); c.6935C>T, p.Pro2312Leu (NM_001127510.3, NM_001354895.2, NM_001407450.1); c.6881C>T, p.Pro2294Leu (NM_001127511.3); c.6989C>T, p.Pro2330Leu (NM_001354896.2, NM_001407447.1, NM_001407448.1 and 1 more transcripts); c.6965C>T, p.Pro2322Leu (NM_001354897.2); c.6860C>T, p.Pro2287Leu (NM_001354898.2); c.6851C>T, p.Pro2284Leu (NM_001354899.2); c.6812C>T, p.Pro2271Leu (NM_001354900.2); and 12 more; short protein forms P2183L, P2287L, P2294L, P2305L, P2152L, P2229L, P2253L, P2312L.
Identifiers: ClinVar variation 2773592 (VCV002773592.3), dbSNP rs2149976636, ClinGen allele CA16036458.
Genomic context (GRCh38, chr5:112,842,529, plus strand): 5'-TAGGTGGGTCAAGTAAAGCACCTTCTAGATCAGGATCTAGAGATTCGACCCCTTCAAGAC[C>T]TGCCCAGCAACCATTAAGTAGACCTATACAGTCTCCTGGCCGAAACTCAATTTCCCCTGG-3'
Protein context (NP_000029.2, residues 2302-2322): SGSRDSTPSR[Pro2312Leu]AQQPLSRPIQ